The following is an entry in ClinVar:

ClinVar aggregate classification (germline): Pathogenic/Likely pathogenic. Review status: criteria provided, multiple submitters, no conflicts (2 of 4 stars). 2 submissions from 2 submitters: Pathogenic (1); Likely pathogenic (1). Last evaluated 2023-06-20.

Conditions:
Charcot-Marie-Tooth disease axonal type 2S. Also called: CHARCOT-MARIE-TOOTH NEUROPATHY, TYPE 2S; CHARCOT-MARIE-TOOTH DISEASE, AXONAL, AUTOSOMAL RECESSIVE, TYPE 2S. Identifiers: Orphanet 443073, MedGen C4015349, MONDO:0014511, OMIM 616155.
Autosomal recessive distal spinal muscular atrophy 1. Also called: NEURONOPATHY, SEVERE INFANTILE AXONAL, WITH RESPIRATORY FAILURE; Spinal muscular atrophy with respiratory distress 1; NEURONOPATHY, DISTAL HEREDITARY MOTOR, HARDING TYPE VI; NEUROPATHY, DISTAL HEREDITARY MOTOR, AUTOSOMAL RECESSIVE 1; HMN VI; SEVERE INFANTILE AXONAL NEUROPATHY WITH RESPIRATORY FAILURE. Identifiers: Orphanet 98920, MedGen C1858517, MONDO:0011436, OMIM 604320.
IGHMBP2-related disorder. Also called: IGHMBP2-related condition; IGHMBP2-related disorders.

Submissions (2):

Labcorp Genetics (formerly Invitae), Labcorp
Classification: Pathogenic for Autosomal recessive distal spinal muscular atrophy 1; Charcot-Marie-Tooth disease axonal type 2S. Last evaluated: 2023-06-20. Review status: criteria provided, single submitter. Criteria: Invitae Variant Classification Sherloc (09022015). Collection method: clinical testing. Allele origin: germline.
Comment: This sequence change creates a premature translational stop signal (p.Leu137Lysfs*5) in the IGHMBP2 gene. It is expected to result in an absent or disrupted protein product. Loss-of-function variants in IGHMBP2 are known to be pathogenic (PMID: 14681881, 25439726, 25568292). This variant is present in population databases (rs767630646, gnomAD 0.006%). This variant has not been reported in the literature in individuals affected with IGHMBP2-related conditions. For these reasons, this variant has been classified as Pathogenic.

PreventionGenetics, part of Exact Sciences
Classification: Likely pathogenic for IGHMBP2-related condition. Last evaluated: 2022-11-09. Review status: criteria provided, single submitter. Criteria: ACMG Guidelines, 2015. Collection method: clinical testing. Allele origin: germline.
Comment: The IGHMBP2 c.408_409delGT variant is predicted to result in a frameshift and premature protein termination (p.Leu137Lysfs*5). To our knowledge, this variant has not been reported in the literature. This variant is reported in 0.0054% of alleles in individuals of East Asian descent in gnomAD. Frameshift variants in IGHMBP2 are expected to be pathogenic. Pathogenic protein chain terminating variants have been reported upstream and downstream of this variant, providing further evidence of pathogenicity for this variant. This variant is interpreted as likely pathogenic.

Literature cited by the submitters: PubMed 14681881 (cited by Labcorp Genetics (formerly Invitae), Labcorp); PubMed 25439726 (cited by Labcorp Genetics (formerly Invitae), Labcorp); PubMed 25568292 (cited by Labcorp Genetics (formerly Invitae), Labcorp).

NM_002180.3(IGHMBP2):c.408_409del (p.Leu137fs)

Gene: IGHMBP2 (immunoglobulin mu DNA binding protein 2; plus strand). Cytogenetic location: 11q13.3.
Variant type: Deletion.
Coding change: c.408_409del on transcript NM_002180.3 (MANE Select); coding-DNA positions 408 to 409, 2 bases deleted (GT; older notation c.408_409delGT).
Protein change: p.Leu137fs; shifts the reading frame from leucine 137.
Molecular consequence: frameshift variant.
Genome position (GRCh38, 1-based): chr11:68,908,296-68,908,297, GT deleted; deleting any 2 consecutive bases within chr11:68,908,295-68,908,297 gives the same sequence; the c. name uses the placement nearest the transcript's 3' end. VCF-style (leftmost placement, unchanged base first): chr11-68908294-CTG-C. GRCh37 (hg19) VCF-style: chr11-68675762-CTG-C.
Other names: short protein forms L137fs.
Identifiers: ClinVar variation 2635455 (VCV002635455.4), dbSNP rs767630646, ClinGen allele CA6153277.